The following is an entry in ClinVar:

NM_007194.4(CHEK2):c.1360G>A (p.Glu454Lys)

Gene: CHEK2 (checkpoint kinase 2; minus strand). Cytogenetic location: 22q12.1.
Variant type: single nucleotide variant.
Coding change: c.1360G>A on transcript NM_007194.4 (MANE Select); coding-DNA position 1360, G replaced by A.
Protein change: p.Glu454Lys; replaces glutamic acid 454 with lysine.
Molecular consequence: missense variant.
Genome position (GRCh38, 1-based): chr22:28,695,142, C>T on the plus strand (G>A on the coding strand, the complement: CHEK2 is on the minus strand). VCF-style: chr22-28695142-C-T. GRCh37 (hg19) VCF-style: chr22-29091130-C-T.
Other names: c.1489G>A, p.Glu497Lys (NM_001005735.3); c.697G>A, p.Glu233Lys (NM_001257387.3); c.1159G>A, p.Glu387Lys (NM_001349956.3); c.1273G>A, p.Glu425Lys (NM_145862.3); short protein forms E233K, E387K, E425K, E454K, E497K.
Identifiers: ClinVar variation 3226023 (VCV003226023.1), dbSNP rs2145793125, ClinGen allele CA411095488.
Genomic context (GRCh38, chr22:28,695,142, plus strand): 5'-CACATTTTAGCATACCACAAATTCTTAACCCTTTCATATTCATACCTTTCTCTGAGACTT[C>T]TGCCCAGACTTCAGGAATGAAGTTGTATTTTCCACTGGTGATCTGATCCTTCAGTGACAC-3'
Protein context (NP_009125.1, residues 444-464): KYNFIPEVWA[Glu454Lys]VSEKALDLVK

ClinVar aggregate classification (germline): Uncertain significance (1 of 4 stars; one submission).

Conditions:
Hereditary cancer-predisposing syndrome. Also called: Neoplastic Syndromes, Hereditary; Tumor predisposition; Hereditary neoplastic syndrome; Hereditary Cancer Syndrome. Identifiers: Orphanet 140162, MedGen C0027672, MeSH D009386, MONDO:0015356.

Submission:

Ambry Genetics
Classification: Uncertain significance for Hereditary cancer-predisposing syndrome. Last evaluated: 2024-01-28. Review status: criteria provided, single submitter. Criteria: Ambry Variant Classification Scheme 2023. Collection method: clinical testing. Allele origin: germline.
Comment: The p.E454K variant (also known as c.1360G>A), located in coding exon 11 of the CHEK2 gene, results from a G to A substitution at nucleotide position 1360. The glutamic acid at codon 454 is replaced by lysine, an amino acid with similar properties. This amino acid position is conserved. In addition, this alteration is predicted to be tolerated by in silico analysis. Based on the available evidence, the clinical significance of this alteration remains unclear.